The following is an entry in ClinVar:

ClinVar aggregate classification (germline): Conflicting classifications of pathogenicity. Review status: criteria provided, conflicting classifications (1 of 4 stars). 2 submissions from 2 submitters: Likely pathogenic (1); Uncertain significance (1). Last evaluated 2022-12-12.

Conditions:
Autosomal recessive nonsyndromic hearing loss 4 (DFNB4). Also called: Enlarged vestibular aqueduct, digenic; Deafness, autosomal recessive 4; NEUROSENSORY NONSYNDROMIC RECESSIVE DEAFNESS 4; FOXI1-Related Pendred Syndrome; KCNJ10-Related Pendred Syndrome; DEAFNESS, AUTOSOMAL RECESSIVE 4, WITH ENLARGED VESTIBULAR AQUEDUCT, DIGENIC. Identifiers: Orphanet 90636, MedGen C3538946, MONDO:0010933, OMIM 600791.

gnomAD v4.1: 1 of 1,567,806 alleles (0.000064%); highest among the groups gnomAD compares: Non-Finnish European, 0.000086%; no homozygotes.

Submissions (2):

Laboratoire Génétique Moléculaire, CHRU TOURS
Classification: Likely pathogenic for Autosomal recessive nonsyndromic hearing loss 4. Last evaluated: 2022-12-12. Review status: criteria provided, single submitter. Criteria: ACMG Guidelines, 2015. Collection method: clinical testing. Allele origin: paternal. Affected: yes.
Comment: PM1;PM2;PM3;PM5;PP3;PP4

Blueprint Genetics
Classification: Uncertain significance. Last evaluated: 2022-07-22. Review status: criteria provided, single submitter. Criteria: ACMG Guidelines, 2015. Collection method: clinical testing. Allele origin: germline.

NM_000441.2(SLC26A4):c.70C>G (p.Arg24Gly)

Genes: SLC26A4 (solute carrier family 26 member 4; plus strand), SLC26A4-AS1 (SLC26A4 antisense RNA 1; minus strand). Cytogenetic location: 7q22.3.
Variant type: single nucleotide variant.
Coding change: c.70C>G on transcript NM_000441.2 (MANE Select); coding-DNA position 70, C replaced by G.
Protein change: p.Arg24Gly; replaces arginine 24 with glycine.
Molecular consequence: missense variant. On other transcripts: non-coding transcript variant (1).
Genome position (GRCh38, 1-based): chr7:107,661,711, C>G. VCF-style: chr7-107661711-C-G. GRCh37 (hg19) VCF-style: chr7-107302156-C-G.
Other names: short protein forms R24G.
Identifiers: ClinVar variation 4294355 (VCV004294355.2).